The following is an entry in ClinVar:

NM_003622.4(PPFIBP1):c.696+387del

Gene: PPFIBP1 (PPFIB scaffold protein 1; plus strand). Cytogenetic location: 12p11.22.
Variant type: Deletion.
Coding change: c.696+387del on transcript NM_003622.4 (MANE Select); 387 bases into the intron after coding-DNA position 696, one base deleted (A; older notation c.696+387delA).
Molecular consequence: intron variant. On other transcripts: frameshift variant (2).
Genome position (GRCh38, 1-based): chr12:27,655,201, A deleted; the last of 4 consecutive A bases (chr12:27,655,198-27,655,201); deleting any one gives the same sequence. VCF-style (leftmost placement, unchanged base first): chr12-27655197-GA-G. GRCh37 (hg19) VCF-style: chr12-27808130-GA-G.
Other names: c.296del, p.Lys99fs (NM_001198915.2); c.755del, p.Lys252fs (NM_177444.3); c.696+387del (NM_001198916.2); short protein forms K99fs, K252fs.
Identifiers: ClinVar variation 4979948 (VCV004979948.1).
Genomic context (GRCh38, chr12:27,655,197, plus strand): 5'-TACCAGTCTTTAATGGCCAAACTTTCTAGCATGAAAATCAAGGTGGGTCAGATGCAGTAT[GA>G]AAAGCAGCGGATGGAACAAAAATGGGAGTCACTGAAGGTGTAGTAGACGTTGGGTGATGG-3'

ClinVar aggregate classification (germline): Likely pathogenic (1 of 4 stars; one submission).

Conditions:
PPFIBP1-related disorder. Also called: PPFIBP1-related condition.

Submission:

PreventionGenetics, part of Exact Sciences
Classification: Likely pathogenic for PPFIBP1-related condition. Last evaluated: 2026-06-27. Review status: criteria provided, single submitter. Criteria: ACMG Guidelines, 2015. Collection method: clinical testing. Allele origin: germline.
Comment: The PPFIBP1 c.755delA variant is predicted to result in a frameshift and premature protein termination (p.Lys252Serfs*11). To our knowledge, this variant has not been reported in the literature. This variant is reported in 0.0091% of alleles in individuals of European (Non-Finnish) descent in gnomAD. Frameshift variants in PPFIBP1 are expected to be pathogenic. This variant is interpreted as likely pathogenic.